The following is an entry in ClinVar:

ClinVar aggregate classification (germline): Likely benign (1 of 4 stars; one submission).

gnomAD v4.1: 1 of 1,613,638 alleles (0.000062%); highest among the groups gnomAD compares: Non-Finnish European, 0.000085%; no homozygotes.

Submission:

CeGaT Center for Human Genetics Tuebingen
Classification: Likely benign. Last evaluated: 2022-09-01. Review status: criteria provided, single submitter. Criteria: CeGaT Center For Human Genetics Tuebingen Variant Classification Criteria Version 2. Collection method: clinical testing. Allele origin: germline. Affected: yes. Observed: 1 variant allele.
Comment: TSPAN13: PM2:Supporting, BP4, BP7

NM_014399.4(TSPAN13):c.42C>T (p.Cys14=)

Gene: TSPAN13 (tetraspanin 13; plus strand). Cytogenetic location: 7p21.1.
Variant type: single nucleotide variant.
Coding change: c.42C>T on transcript NM_014399.4 (MANE Select); coding-DNA position 42, C replaced by T.
Protein change: p.Cys14=; no amino-acid change (cysteine 14 retained).
Molecular consequence: synonymous variant.
Genome position (GRCh38, 1-based): chr7:16,754,009, C>T. VCF-style: chr7-16754009-C-T. GRCh37 (hg19) VCF-style: chr7-16793634-C-T.
Identifiers: ClinVar variation 2657328 (VCV002657328.24), dbSNP rs1397498737, ClinGen allele CA453920226.